The following is an entry in ClinVar:

ClinVar aggregate classification (germline): Likely benign (0 of 4 stars; one submission).

Conditions:
SEMA3D-related disorder. Also called: SEMA3D-related condition.

Submission:

PreventionGenetics, part of Exact Sciences
Classification: Likely benign for SEMA3D-related condition. Last evaluated: 2021-05-19. Review status: no assertion criteria provided. Collection method: clinical testing. Allele origin: germline.
Comment: This variant is classified as likely benign based on ACMG/AMP sequence variant interpretation guidelines (Richards et al. 2015 PMID: 25741868, with internal and published modifications).

NM_001384900.1(SEMA3D):c.1989T>C (p.Tyr663=)

Genes: SEMA3D (semaphorin 3D; minus strand), LOC126860094 (BRD4-independent group 4 enhancer GRCh37_chr7:84628763-84629962; plus strand). Cytogenetic location: 7q21.11.
Variant type: single nucleotide variant.
Coding change: c.1989T>C on transcript NM_001384900.1 (MANE Select); coding-DNA position 1989, T replaced by C.
Protein change: p.Tyr663=; no amino-acid change (tyrosine 663 retained).
Molecular consequence: synonymous variant.
Genome position (GRCh38, 1-based): chr7:84,999,785, A>G on the plus strand (T>C on the coding strand, the complement: SEMA3D is on the minus strand). VCF-style: chr7-84999785-A-G. GRCh37 (hg19) VCF-style: chr7-84629101-A-G.
Other names: c.1989T>C, p.Tyr663= (NM_001384901.1, NM_001384902.1, NM_001384903.1 and 1 more transcripts).
Identifiers: ClinVar variation 3357525 (VCV003357525.1).